The following is an entry in ClinVar:

ClinVar aggregate classification (germline): Conflicting classifications of pathogenicity. Review status: criteria provided, conflicting classifications (1 of 4 stars). 4 submissions from 4 submitters: Uncertain significance (2); Likely benign (2). Last evaluated 2026-02-03.

Conditions:
Cardiovascular phenotype. Identifiers: MedGen CN230736.
Dilated cardiomyopathy 1DD (CMD1DD). Identifiers: Orphanet 154, MedGen C2750995, MONDO:0013168, OMIM 613172.

Allele frequency attached by ClinVar (database versions not stated): gnomAD exomes 0.00002 and 0.00006; ExAC 0.00014; gnomAD 0.00029 and 0.00031; TOPMed 0.00035; 1000 Genomes Project 0.00060; 1000 Genomes Project 30x 0.00062.

Submissions (4):

Labcorp Genetics (formerly Invitae), Labcorp
Classification: Likely benign for Dilated cardiomyopathy 1DD. Last evaluated: 2026-02-03. Review status: criteria provided, single submitter. Criteria: Invitae Variant Classification Sherloc (09022015). Collection method: clinical testing. Allele origin: germline.

Mayo Clinic Laboratories, Mayo Clinic
Classification: Uncertain significance. Last evaluated: 2022-10-05. Review status: criteria provided, single submitter. Criteria: ACMG Guidelines, 2015. Collection method: clinical testing. Allele origin: germline. Observed: 1 variant allele.
Comment: BS1

Ambry Genetics
Classification: Likely benign for Cardiovascular phenotype. Last evaluated: 2020-01-30. Review status: criteria provided, single submitter. Criteria: Ambry Variant Classification Scheme 2023. Collection method: clinical testing. Allele origin: germline.

ARUP Laboratories, Molecular Genetics and Genomics, ARUP Laboratories
Classification: Uncertain significance. Last evaluated: 2018-04-11. Review status: criteria provided, single submitter. Criteria: ARUP Molecular Germline Variant Investigation Process. Collection method: clinical testing. Allele origin: germline.
Comment: The RBM20 c.1057G>A; p.Glu353Lys variant (rs554690506), to our knowledge, is not reported in the medical literature, gene specific variation databases, nor has it been previously identified by our laboratory. This variant is listed in the genome Aggregation Database (gnomAD) with an African population frequency of 0.1% (identified on 17 out of 16,352 chromosomes). The glutamic acid at position 353 is weakly conserved, considering 11 species, and computational analyses of the effects of the p.Glu353Lys variant on protein structure and function make conflicting predictions (SIFT: tolerated, PolyPhen-2: probably damaging). Based on the available information, the clinical significance of the p.Glu353Lys variant cannot be determined with certainty.

Literature cited by the submitters: PubMed 30615648 (cited by Ambry Genetics).

NM_001134363.3(RBM20):c.1057G>A (p.Glu353Lys)

Gene: RBM20 (RNA binding motif protein 20; plus strand). Cytogenetic location: 10q25.2.
Variant type: single nucleotide variant.
Coding change: c.1057G>A on transcript NM_001134363.3 (MANE Select); coding-DNA position 1057, G replaced by A.
Protein change: p.Glu353Lys; replaces glutamic acid 353 with lysine.
Molecular consequence: missense variant.
Genome position (GRCh38, 1-based): chr10:110,781,666, G>A. VCF-style: chr10-110781666-G-A. GRCh37 (hg19) VCF-style: chr10-112541424-G-A.
Other names: short protein forms E353K.
Identifiers: ClinVar variation 618860 (VCV000618860.21), dbSNP rs554690506, ClinGen allele CA5688551.